The following is an entry in ClinVar:

ClinVar aggregate classification (germline): Conflicting classifications of pathogenicity. Review status: criteria provided, conflicting classifications (1 of 4 stars). 2 submissions from 2 submitters: Uncertain significance (1); Benign (1). Last evaluated 2025-11-24.

Conditions:
Birt-Hogg-Dube syndrome. Also called: Birt Hogg Dubé syndrome. Identifiers: Orphanet 122, MedGen C0346010, MONDO:0800444.
Hereditary cancer-predisposing syndrome. Also called: Neoplastic Syndromes, Hereditary; Hereditary Cancer Syndrome; Hereditary neoplastic syndrome; Tumor predisposition. Identifiers: Orphanet 140162, MedGen C0027672, MeSH D009386, MONDO:0015356.

Allele frequency attached by ClinVar (database versions not stated): gnomAD exomes 0.00001; ExAC 0.00003.
gnomAD v4.1: 3 of 1,613,804 alleles (0.00019%); highest among the groups gnomAD compares: Non-Finnish European, 0.00025%; no homozygotes.

Submissions (2):

Ambry Genetics
Classification: Benign for Hereditary cancer-predisposing syndrome. Last evaluated: 2025-11-24. Review status: criteria provided, single submitter. Criteria: Ambry Variant Classification Scheme 2023. Collection method: clinical testing. Allele origin: germline.

Labcorp Genetics (formerly Invitae), Labcorp
Classification: Uncertain significance for Birt-Hogg-Dube syndrome. Last evaluated: 2025-10-09. Review status: criteria provided, single submitter. Criteria: Invitae Variant Classification Sherloc (09022015). Collection method: clinical testing. Allele origin: germline.
Comment: This sequence change replaces serine, which is neutral and polar, with asparagine, which is neutral and polar, at codon 161 of the FLCN protein (p.Ser161Asn). This variant is present in population databases (rs760556162, gnomAD 0.003%). This variant has not been reported in the literature in individuals affected with FLCN-related conditions. ClinVar contains an entry for this variant (Variation ID: 825214). Invitae Evidence Modeling of protein sequence and biophysical properties (such as structural, functional, and spatial information, amino acid conservation, physicochemical variation, residue mobility, and thermodynamic stability) indicates that this missense variant is not expected to disrupt FLCN protein function with a negative predictive value of 80%. In summary, the available evidence is currently insufficient to determine the role of this variant in disease. Therefore, it has been classified as a Variant of Uncertain Significance.

NM_144997.7(FLCN):c.482G>A (p.Ser161Asn)

Gene: FLCN (folliculin; minus strand). Cytogenetic location: 17p11.2.
Variant type: single nucleotide variant.
Coding change: c.482G>A on transcript NM_144997.7 (MANE Select); coding-DNA position 482, G replaced by A.
Protein change: p.Ser161Asn; replaces serine 161 with asparagine.
Molecular consequence: missense variant.
Genome position (GRCh38, 1-based): chr17:17,224,058, C>T on the plus strand (G>A on the coding strand, the complement: FLCN is on the minus strand). VCF-style: chr17-17224058-C-T. GRCh37 (hg19) VCF-style: chr17-17127372-C-T.
Other names: c.536G>A, p.Ser179Asn (NM_001353229.2); c.482G>A, p.Ser161Asn (NM_001353230.2, NM_001353231.2, NM_144606.7); short protein forms S161N, S179N.
Identifiers: ClinVar variation 825214 (VCV000825214.11), dbSNP rs760556162, ClinGen allele CA8416392.